The following is an entry in ClinVar:

ClinVar aggregate classification (germline): Uncertain significance (1 of 4 stars; one submission).

Allele frequency attached by ClinVar (database versions not stated): gnomAD exomes 0.00001; ExAC 0.00006; ESP Exome Variant Server 0.00008; TOPMed 0.00010; gnomAD 0.00015; 1000 Genomes Project 0.00040; 1000 Genomes Project 30x 0.00047.
gnomAD v4.1: 37 of 1,580,098 alleles (0.0023%); highest among the groups gnomAD compares: African/African-American, 0.04%; no homozygotes.

Submission:

Labcorp Genetics (formerly Invitae), Labcorp
Classification: Uncertain significance. Last evaluated: 2022-08-12. Review status: criteria provided, single submitter. Criteria: Invitae Variant Classification Sherloc (09022015). Collection method: clinical testing. Allele origin: germline.
Comment: This sequence change replaces arginine, which is basic and polar, with cysteine, which is neutral and slightly polar, at codon 2184 of the CACNA1B protein (p.Arg2184Cys). This variant is present in population databases (rs201646477, gnomAD 0.03%). This variant has not been reported in the literature in individuals affected with CACNA1B-related conditions. Algorithms developed to predict the effect of missense changes on protein structure and function are either unavailable or do not agree on the potential impact of this missense change (SIFT: "Deleterious"; PolyPhen-2: "Probably Damaging"; Align-GVGD: "Class C15"). In summary, the available evidence is currently insufficient to determine the role of this variant in disease. Therefore, it has been classified as a Variant of Uncertain Significance.

NM_000718.4(CACNA1B):c.6550C>T (p.Arg2184Cys)

Gene: CACNA1B (calcium voltage-gated channel subunit alpha1 B; plus strand). Cytogenetic location: 9q34.3.
Variant type: single nucleotide variant.
Coding change: c.6550C>T on transcript NM_000718.4 (MANE Select); coding-DNA position 6550, C replaced by T.
Protein change: p.Arg2184Cys; replaces arginine 2184 with cysteine.
Molecular consequence: missense variant. On other transcripts: intron variant (1).
Genome position (GRCh38, 1-based): chr9:138,121,529, C>T. VCF-style: chr9-138121529-C-T. GRCh37 (hg19) VCF-style: chr9-141015981-C-T.
Other names: c.6490-127C>T (NM_001243812.2); short protein forms R2184C.
Identifiers: ClinVar variation 2179584 (VCV002179584.1), dbSNP rs201646477, ClinGen allele CA5377757.